The following is an entry in ClinVar:

ClinVar aggregate classification (germline): Uncertain significance (1 of 4 stars; one submission).

Conditions:
Congenital myotonia, autosomal dominant form (THD). Also called: THOMSEN DISEASE; Myotonia congenita autosomal dominant. Identifiers: Orphanet 614, MedGen C2936781, MONDO:0008055, OMIM 160800.
Congenital myotonia, autosomal recessive form. Also called: BECKER DISEASE; Becker Generalized Myotonia; myotonia congenita, autosomal recessive. Identifiers: Orphanet 614, MedGen C0751360, MONDO:0009715, OMIM 255700.

Allele frequency attached by ClinVar (database versions not stated): gnomAD 0.00001; TOPMed 0.00001.
gnomAD v4.1: 1 of 1,579,210 alleles (0.000063%); highest among the groups gnomAD compares: Admixed American, 0.0017%; no homozygotes.

Submission:

Labcorp Genetics (formerly Invitae), Labcorp
Classification: Uncertain significance for Congenital myotonia, autosomal recessive form; Congenital myotonia, autosomal dominant form. Last evaluated: 2023-04-07. Review status: criteria provided, single submitter. Criteria: Invitae Variant Classification Sherloc (09022015). Collection method: clinical testing. Allele origin: germline.
Comment: In summary, the available evidence is currently insufficient to determine the role of this variant in disease. Therefore, it has been classified as a Variant of Uncertain Significance. Advanced modeling of protein sequence and biophysical properties (such as structural, functional, and spatial information, amino acid conservation, physicochemical variation, residue mobility, and thermodynamic stability) performed at Invitae indicates that this missense variant is not expected to disrupt CLCN1 protein function. This variant has not been reported in the literature in individuals affected with CLCN1-related conditions. This variant is not present in population databases (gnomAD no frequency). This sequence change replaces glycine, which is neutral and non-polar, with serine, which is neutral and polar, at codon 51 of the CLCN1 protein (p.Gly51Ser).

NM_000083.3(CLCN1):c.151G>A (p.Gly51Ser)

Gene: CLCN1 (chloride voltage-gated channel 1; plus strand). Cytogenetic location: 7q34.
Variant type: single nucleotide variant.
Coding change: c.151G>A on transcript NM_000083.3 (MANE Select); coding-DNA position 151, G replaced by A.
Protein change: p.Gly51Ser; replaces glycine 51 with serine.
Molecular consequence: missense variant. On other transcripts: non-coding transcript variant (1).
Genome position (GRCh38, 1-based): chr7:143,316,363, G>A. VCF-style: chr7-143316363-G-A. GRCh37 (hg19) VCF-style: chr7-143013456-G-A.
Other names: short protein forms G51S.
Identifiers: ClinVar variation 2934124 (VCV002934124.3), dbSNP rs1487169721, ClinGen allele CA369677502.